The following is an entry in ClinVar:

ClinVar aggregate classification (germline): Uncertain significance (1 of 4 stars; one submission).

Conditions:
Early-infantile DEE. Also called: Ohtahara syndrome; Early infantile epileptic encephalopathy with suppression bursts; Early infantile epileptic encephalopathy. Identifiers: Orphanet 1934, MedGen C0393706, MONDO:0800491.

Allele frequency attached by ClinVar (database versions not stated): gnomAD exomes below 0.00001 and 0.00001; ExAC 0.00001; gnomAD 0.00001; TOPMed 0.00001.

Submission:

Labcorp Genetics (formerly Invitae), Labcorp
Classification: Uncertain significance for Early-infantile DEE. Last evaluated: 2020-10-04. Review status: criteria provided, single submitter. Criteria: Invitae Variant Classification Sherloc (09022015). Collection method: clinical testing. Allele origin: germline.
Comment: In summary, the available evidence is currently insufficient to determine the role of this variant in disease. Therefore, it has been classified as a Variant of Uncertain Significance. Algorithms developed to predict the effect of missense changes on protein structure and function output the following: SIFT: "Tolerated"; PolyPhen-2: "Benign"; Align-GVGD: "Class C0". The asparagine amino acid residue is found in multiple mammalian species, suggesting that this missense change does not adversely affect protein function. These predictions have not been confirmed by published functional studies and their clinical significance is uncertain. This variant has not been reported in the literature in individuals with ARHGEF15-related conditions. This variant is present in population databases (rs750671470, ExAC 0.009%). This sequence change replaces aspartic acid with asparagine at codon 313 of the ARHGEF15 protein (p.Asp313Asn). The aspartic acid residue is highly conserved and there is a small physicochemical difference between aspartic acid and asparagine.

NM_173728.4(ARHGEF15):c.937G>A (p.Asp313Asn)

Gene: ARHGEF15 (Rho guanine nucleotide exchange factor 15; plus strand). Cytogenetic location: 17p13.1.
Variant type: single nucleotide variant.
Coding change: c.937G>A on transcript NM_173728.4 (MANE Select); coding-DNA position 937, G replaced by A.
Protein change: p.Asp313Asn; replaces aspartic acid 313 with asparagine.
Molecular consequence: missense variant.
Genome position (GRCh38, 1-based): chr17:8,313,503, G>A. VCF-style: chr17-8313503-G-A. GRCh37 (hg19) VCF-style: chr17-8216821-G-A.
Other names: c.937G>A, p.Asp313Asn (NM_025014.2); short protein forms D313N.
Identifiers: ClinVar variation 1015582 (VCV001015582.10), dbSNP rs750671470, ClinGen allele CA8375045.